The following is an entry in ClinVar:

ClinVar aggregate classification (germline): Benign/Likely benign. Review status: criteria provided, multiple submitters, no conflicts (2 of 4 stars). 7 submissions from 7 submitters: Benign (1); Likely benign (6). Last evaluated 2026-01-18.

Conditions:
Hereditary cancer-predisposing syndrome. Also called: Hereditary Cancer Syndrome; Tumor predisposition; Neoplastic Syndromes, Hereditary; Hereditary neoplastic syndrome. Identifiers: Orphanet 140162, MedGen C0027672, MeSH D009386, MONDO:0015356.
Familial cancer of breast. Also called: hereditary breast carcinoma; BREAST CANCER, FAMILIAL; Hereditary breast cancer. Identifiers: Orphanet 227535, MedGen C0346153, MONDO:0016419, OMIM 114480. Disease mechanism: loss of function.
Ataxia-telangiectasia syndrome (AT). Also called: ATAXIA-TELANGIECTASIA, COMPLEMENTATION GROUP A; ATAXIA-TELANGIECTASIA, FRESNO VARIANT; Ataxia-telangiectasia; Ataxia-telangiectasia, complementation group E; Cerebello-oculocutaneous telangiectasia; Immunodeficiency with ataxia telangiectasia. Identifiers: Orphanet 100, MedGen C0004135, MONDO:0008840, OMIM 208900.

Allele frequency attached by ClinVar (database versions not stated): gnomAD exomes below 0.00001; TOPMed 0.00001.
gnomAD v4.1: 3 of 1,614,144 alleles (0.00019%); highest among the groups gnomAD compares: Middle Eastern, 0.016%; no homozygotes.

Submissions (7):

Labcorp Genetics (formerly Invitae), Labcorp
Classification: Likely benign for Ataxia-telangiectasia syndrome. Last evaluated: 2026-01-18. Review status: criteria provided, single submitter. Criteria: Invitae Variant Classification Sherloc (09022015). Collection method: clinical testing. Allele origin: germline.

Blueprint Genetics
Classification: Likely benign. Last evaluated: 2024-08-23. Review status: criteria provided, single submitter. Criteria: ACMG Guidelines, 2015. Collection method: clinical testing. Allele origin: germline.

Myriad Genetics, Inc.
Classification: Benign for Familial cancer of breast. Last evaluated: 2024-06-18. Review status: criteria provided, single submitter. Criteria: Myriad Autosomal Dominant, Autosomal Recessive and X-Linked Classification Criteria (2023). Collection method: clinical testing. Allele origin: unknown.
Comment: This variant is considered benign. This variant is a silent/synonymous amino acid change and it is not expected to impact splicing.

Sema4
Classification: Likely benign for Hereditary cancer-predisposing syndrome. Last evaluated: 2021-10-02. Review status: criteria provided, single submitter. Criteria: Sema4 Curation Guidelines. Collection method: curation. Allele origin: germline.

Women's Health and Genetics/Laboratory Corporation of America, LabCorp
Classification: Likely benign. Last evaluated: 2020-04-17. Review status: criteria provided, single submitter. Criteria: LabCorp Variant Classification Summary - May 2015. Collection method: clinical testing. Allele origin: germline.

Color Diagnostics, LLC DBA Color Health
Classification: Likely benign for Hereditary cancer-predisposing syndrome. Last evaluated: 2018-09-04. Review status: criteria provided, single submitter. Criteria: ACMG Guidelines, 2015. Collection method: clinical testing. Allele origin: germline.

Ambry Genetics
Classification: Likely benign for Hereditary cancer-predisposing syndrome. Last evaluated: 2014-11-24. Review status: criteria provided, single submitter. Criteria: Ambry Variant Classification Scheme 2023. Collection method: clinical testing. Allele origin: germline.

NM_000051.4(ATM):c.8094A>G (p.Leu2698=)

Genes: ATM (ATM serine/threonine kinase; plus strand), C11orf65 (chromosome 11 open reading frame 65; minus strand). Cytogenetic location: 11q22.3.
Variant type: single nucleotide variant.
Coding change: c.8094A>G on transcript NM_000051.4 (MANE Select); coding-DNA position 8094, A replaced by G.
Protein change: p.Leu2698=; no amino-acid change (leucine 2698 retained).
Molecular consequence: synonymous variant. On other transcripts: intron variant (2).
Genome position (GRCh38, 1-based): chr11:108,335,052, A>G. VCF-style: chr11-108335052-A-G. GRCh37 (hg19) VCF-style: chr11-108205779-A-G.
Other names: c.8094A>G, p.Leu2698= (NM_001351834.2); c.641-25981T>C (NM_001330368.2); c.*38+168T>C (NM_001351110.2).
Identifiers: ClinVar variation 187232 (VCV000187232.22), dbSNP rs786203569, ClinGen allele CA197107.